The following is an entry in ClinVar:

NM_000059.4(BRCA2):c.4729G>A (p.Glu1577Lys)

Gene: BRCA2 (BRCA2 DNA repair associated; plus strand). Cytogenetic location: 13q13.1.
Variant type: single nucleotide variant.
Coding change: c.4729G>A on transcript NM_000059.4 (MANE Select); coding-DNA position 4729, G replaced by A.
Protein change: p.Glu1577Lys; replaces glutamic acid 1577 with lysine.
Molecular consequence: missense variant.
Genome position (GRCh38, 1-based): chr13:32,339,084, G>A. VCF-style: chr13-32339084-G-A. GRCh37 (hg19) VCF-style: chr13-32913221-G-A.
Other names: c.4729G>A, p.Glu1577Lys (NM_001406719.1, NM_001406720.1); short protein forms E1577K.
Identifiers: ClinVar variation 2110251 (VCV002110251.6), dbSNP rs878853586, ClinGen allele CA387783003.

ClinVar aggregate classification (germline): Conflicting classifications of pathogenicity. Review status: criteria provided, conflicting classifications (1 of 4 stars). 2 submissions from 2 submitters: Uncertain significance (1); Likely benign (1). Last evaluated 2023-03-23.

Conditions:
Hereditary cancer-predisposing syndrome. Also called: Neoplastic Syndromes, Hereditary; Hereditary Cancer Syndrome; Hereditary neoplastic syndrome; Tumor predisposition. Identifiers: Orphanet 140162, MedGen C0027672, MeSH D009386, MONDO:0015356.
Hereditary breast ovarian cancer syndrome. Also called: Hereditary breast and ovarian cancer syndrome; BRCA1- and BRCA2-Associated Hereditary Breast and Ovarian Cancer; Hereditary breast and ovarian cancer; Hereditary breast and/or ovarian cancer syndrome; Hereditary breast and ovarian cancer syndrome (HBOC); Breast and ovarian cancer. Identifiers: Orphanet 145, MedGen C0677776, MeSH D061325, MONDO:0003582. Disease mechanism: loss of function.

Submissions (2):

University of Washington Department of Laboratory Medicine, University of Washington
Classification: Likely benign for Hereditary cancer-predisposing syndrome. Last evaluated: 2023-03-23. Review status: criteria provided, single submitter. Criteria: Dines et al. (Genet Med. 2020). Collection method: curation. Allele origin: germline.
Comment: Missense variant in a coldspot region where missense variants are very unlikely to be pathogenic (PMID:31911673).

BRCA2 exon 11 coldspot. Reclassification based on statistical prior probability.

Labcorp Genetics (formerly Invitae), Labcorp
Classification: Uncertain significance for Hereditary breast ovarian cancer syndrome. Last evaluated: 2022-03-12. Review status: criteria provided, single submitter. Criteria: Invitae Variant Classification Sherloc (09022015). Collection method: clinical testing. Allele origin: germline.
Comment: This sequence change replaces glutamic acid, which is acidic and polar, with lysine, which is basic and polar, at codon 1577 of the BRCA2 protein (p.Glu1577Lys). This variant is not present in population databases (gnomAD no frequency). This variant has not been reported in the literature in individuals affected with BRCA2-related conditions. Advanced modeling of protein sequence and biophysical properties (such as structural, functional, and spatial information, amino acid conservation, physicochemical variation, residue mobility, and thermodynamic stability) performed at Invitae indicates that this missense variant is not expected to disrupt BRCA2 protein function. In summary, the available evidence is currently insufficient to determine the role of this variant in disease. Therefore, it has been classified as a Variant of Uncertain Significance.